The following is an entry in ClinVar:

ClinVar aggregate classification (germline): Uncertain significance. Review status: criteria provided, multiple submitters, no conflicts (2 of 4 stars). 3 submissions from 3 submitters: Uncertain significance (3). Last evaluated 2026-01-28.

Conditions:
Early-infantile DEE. Also called: Early infantile epileptic encephalopathy; Ohtahara syndrome; Early infantile epileptic encephalopathy with suppression bursts. Identifiers: Orphanet 1934, MedGen C0393706, MONDO:0800491.
Developmental and epileptic encephalopathy, 13 (DEE13). Also called: Early infantile epileptic encephalopathy 13; Developmental and Epileptic Encephalopathy (SCN8A-DEE); SCN8A-Related Epilepsy. Identifiers: Orphanet 442835, MedGen C3281191, MONDO:0013801, OMIM 614558.

Allele frequency attached by ClinVar (database versions not stated): gnomAD exomes below 0.00001; TOPMed below 0.00001.
gnomAD v4.1: 3 of 1,607,692 alleles (0.00019%); highest among the groups gnomAD compares: Non-Finnish European, 0.00026%; no homozygotes.

Submissions (3):

Labcorp Genetics (formerly Invitae), Labcorp
Classification: Uncertain significance for Early-infantile DEE. Last evaluated: 2026-01-28. Review status: criteria provided, single submitter. Criteria: Invitae Variant Classification Sherloc (09022015). Collection method: clinical testing. Allele origin: germline.
Comment: This sequence change replaces alanine, which is neutral and non-polar, with threonine, which is neutral and polar, at codon 1634 of the SCN8A protein (p.Ala1634Thr). This variant is not present in population databases (gnomAD no frequency). This variant has not been reported in the literature in individuals affected with SCN8A-related conditions. ClinVar contains an entry for this variant (Variation ID: 1493587). Invitae Evidence Modeling of protein sequence and biophysical properties (such as structural, functional, and spatial information, amino acid conservation, physicochemical variation, residue mobility, and thermodynamic stability) indicates that this missense variant is expected to disrupt SCN8A protein function with a positive predictive value of 95%. In summary, the available evidence is currently insufficient to determine the role of this variant in disease. Therefore, it has been classified as a Variant of Uncertain Significance.

Institute of Human Genetics, University of Leipzig Medical Center
Classification: Uncertain significance for Developmental and epileptic encephalopathy, 13. Last evaluated: 2024-02-19. Review status: criteria provided, single submitter. Criteria: ACMG Guidelines, 2015. Collection method: clinical testing. Allele origin: unknown. Inheritance: Autosomal dominant inheritance. Affected: yes.
Comment: Criteria applied: PM1,PM2_SUP,PP3

Blueprint Genetics
Classification: Uncertain significance. Last evaluated: 2021-11-18. Review status: criteria provided, single submitter. Criteria: ACMG Guidelines, 2015. Collection method: clinical testing. Allele origin: germline.

NM_001330260.2(SCN8A):c.4900G>A (p.Ala1634Thr)

Gene: SCN8A (sodium voltage-gated channel alpha subunit 8; plus strand). Cytogenetic location: 12q13.13.
Variant type: single nucleotide variant.
Coding change: c.4900G>A on transcript NM_001330260.2 (MANE Select); coding-DNA position 4900, G replaced by A.
Protein change: p.Ala1634Thr; replaces alanine 1634 with threonine.
Molecular consequence: missense variant.
Genome position (GRCh38, 1-based): chr12:51,806,386, G>A. VCF-style: chr12-51806386-G-A. GRCh37 (hg19) VCF-style: chr12-52200170-G-A.
Other names: c.4777G>A, p.Ala1593Thr (NM_001177984.3, NM_001369788.1); c.4900G>A, p.Ala1634Thr (NM_014191.4); short protein forms A1593T, A1634T.
Identifiers: ClinVar variation 1493587 (VCV001493587.10), dbSNP rs996870199, ClinGen allele CA236327392.
Genomic context (GRCh38, chr12:51,806,386, plus strand): 5'-ACCCTATTCCGAGTCATCCGATTGGCCCGTATTGGGCGCATCTTGCGTCTGATCAAAGGC[G>A]CCAAAGGGATTCGTACCCTGCTCTTTGCCTTAATGATGTCCTTGCCTGCCCTGTTCAACA-3'
Protein context (NP_001317189.1, residues 1624-1644): IGRILRLIKG[Ala1634Thr]KGIRTLLFAL